The following is an entry in ClinVar:

ClinVar aggregate classification (germline): Uncertain significance (1 of 4 stars; one submission).

Conditions:
Inborn genetic diseases. Identifiers: MedGen C0950123, MeSH D030342.

Submission:

Ambry Genetics
Classification: Uncertain significance for Inborn genetic diseases. Last evaluated: 2026-05-11. Review status: criteria provided, single submitter. Criteria: Ambry Variant Classification Scheme 2023. Collection method: clinical testing. Allele origin: germline.
Comment: The p.A377V variant (also known as c.1130C>T), located in coding exon 6 of the ETV6 gene, results from a C to T substitution at nucleotide position 1130. The alanine at codon 377 is replaced by valine, an amino acid with similar properties. This amino acid position is highly conserved in available vertebrate species. In addition, this alteration is predicted to be deleterious by in silico analysis. Based on the available evidence, the clinical significance of this variant remains unclear.

NM_001987.5(ETV6):c.1130C>T (p.Ala377Val)

Genes: ETV6 (ETS variant transcription factor 6; plus strand), LOC126861452 (CDK7 strongly-dependent group 2 enhancer GRCh37_chr12:12037195-12038394; plus strand). Cytogenetic location: 12p13.2.
Variant type: single nucleotide variant.
Coding change: c.1130C>T on transcript NM_001987.5 (MANE Select); coding-DNA position 1130, C replaced by T.
Protein change: p.Ala377Val; replaces alanine 377 with valine.
Molecular consequence: missense variant. On other transcripts: intron variant (1).
Genome position (GRCh38, 1-based): chr12:11,884,565, C>T. VCF-style: chr12-11884565-C-T. GRCh37 (hg19) VCF-style: chr12-12037499-C-T.
Other names: c.1127C>T, p.Ala376Val (NM_001413913.1); c.1103C>T, p.Ala368Val (NM_001413914.1); c.866C>T, p.Ala289Val (NM_001413915.1); c.1010-6376C>T (NM_001413917.1); short protein forms A289V, A368V, A376V, A377V.
Identifiers: ClinVar variation 4870668 (VCV004870668.1).